The following is an entry in ClinVar:

ClinVar aggregate classification (germline): Uncertain significance (1 of 4 stars; one submission).

Submission:

Labcorp Genetics (formerly Invitae), Labcorp
Classification: Uncertain significance. Last evaluated: 2024-12-16. Review status: criteria provided, single submitter. Criteria: Invitae Variant Classification Sherloc (09022015). Collection method: clinical testing. Allele origin: germline.
Comment: This sequence change replaces methionine, which is neutral and non-polar, with leucine, which is neutral and non-polar, at codon 1243 of the TTC37 protein (p.Met1243Leu). This variant is not present in population databases (gnomAD no frequency). This variant has not been reported in the literature in individuals affected with TTC37-related conditions. ClinVar contains an entry for this variant (Variation ID: 1509126). An algorithm developed to predict the effect of missense changes on protein structure and function outputs the following: PolyPhen-2: "Benign". The leucine amino acid residue is found in multiple mammalian species, which suggests that this missense change does not adversely affect protein function. In summary, the available evidence is currently insufficient to determine the role of this variant in disease. Therefore, it has been classified as a Variant of Uncertain Significance.

NM_014639.4(SKIC3):c.3727A>T (p.Met1243Leu)

Gene: SKIC3 (SKI3 subunit of superkiller complex; minus strand). Cytogenetic location: 5q15.
Variant type: single nucleotide variant.
Coding change: c.3727A>T on transcript NM_014639.4 (MANE Select); coding-DNA position 3727, A replaced by T.
Protein change: p.Met1243Leu; replaces methionine 1243 with leucine.
Molecular consequence: missense variant.
Genome position (GRCh38, 1-based): chr5:95,494,757, T>A on the plus strand (A>T on the coding strand, the complement: SKIC3 is on the minus strand). VCF-style: chr5-95494757-T-A. GRCh37 (hg19) VCF-style: chr5-94830461-T-A.
Other names: short protein forms M1243L.
Identifiers: ClinVar variation 1509126 (VCV001509126.6), dbSNP rs765753375, ClinGen allele CA360448945.